The following is an entry in ClinVar:

ClinVar aggregate classification (germline): Conflicting classifications of pathogenicity. Review status: criteria provided, conflicting classifications (1 of 4 stars). 2 submissions from 2 submitters: Uncertain significance (1); Benign (1). Last evaluated 2025-11-30.

Conditions:
EP300-related disorder. Also called: EP300-related condition; EP300-related disorders.
Rubinstein-Taybi syndrome due to EP300 haploinsufficiency. Also called: EP300-Related Rubinstein-Taybi Syndrome; RUBINSTEIN-TAYBI SYNDROME 2. Identifiers: Orphanet 353284, Orphanet 783, MedGen C3150941, MONDO:0013364, OMIM 613684.

Allele frequency attached by ClinVar (database versions not stated): gnomAD exomes below 0.00001.
gnomAD v4.1: 8 of 1,613,636 alleles (0.0005%); highest among the groups gnomAD compares: African/African-American, 0.0053%; no homozygotes.

Submissions (2):

PreventionGenetics, part of Exact Sciences
Classification: Uncertain significance for EP300-related condition. Last evaluated: 2025-11-30. Review status: criteria provided, single submitter. Criteria: ACMG Guidelines, 2015. Collection method: clinical testing. Allele origin: germline.
Comment: The EP300 c.2573C>T variant is predicted to result in the amino acid substitution p.Thr858Ile. To our knowledge, this variant has not been reported in the literature. This variant is reported in 0.0062% of alleles in individuals of African descent in gnomAD. At this time, the clinical significance of this variant is uncertain due to the absence of conclusive functional and genetic evidence.

Labcorp Genetics (formerly Invitae), Labcorp
Classification: Benign for Rubinstein-Taybi syndrome due to EP300 haploinsufficiency. Last evaluated: 2025-06-22. Review status: criteria provided, single submitter. Criteria: Invitae Variant Classification Sherloc (09022015). Collection method: clinical testing. Allele origin: germline.

NM_001429.4(EP300):c.2573C>T (p.Thr858Ile)

Gene: EP300 (EP300 lysine acetyltransferase; plus strand). Cytogenetic location: 22q13.2.
Variant type: single nucleotide variant.
Coding change: c.2573C>T on transcript NM_001429.4 (MANE Select); coding-DNA position 2573, C replaced by T.
Protein change: p.Thr858Ile; replaces threonine 858 with isoleucine.
Molecular consequence: missense variant.
Genome position (GRCh38, 1-based): chr22:41,149,954, C>T. VCF-style: chr22-41149954-C-T. GRCh37 (hg19) VCF-style: chr22-41545958-C-T.
Other names: c.2495C>T, p.Thr832Ile (NM_001362843.2); c.2573C>T (NM_001429.3); short protein forms T858I, T832I.
Identifiers: ClinVar variation 2193489 (VCV002193489.5), dbSNP rs751375792, ClinGen allele CA411691569.